The following is an entry in ClinVar:

NM_004304.5(ALK):c.655A>G (p.Ile219Val)

Gene: ALK (ALK receptor tyrosine kinase; minus strand). Cytogenetic location: 2p23.1.
Variant type: single nucleotide variant.
Coding change: c.655A>G on transcript NM_004304.5 (MANE Select); coding-DNA position 655, A replaced by G.
Protein change: p.Ile219Val; replaces isoleucine 219 with valine.
Molecular consequence: missense variant.
Genome position (GRCh38, 1-based): chr2:29,920,005, T>C on the plus strand (A>G on the coding strand, the complement: ALK is on the minus strand). VCF-style: chr2-29920005-T-C. GRCh37 (hg19) VCF-style: chr2-30142871-T-C.
Other names: short protein forms I219V.
Identifiers: ClinVar variation 335710 (VCV000335710.17), dbSNP rs886055932, ClinGen allele CA10615011.

ClinVar aggregate classification (germline): Conflicting classifications of pathogenicity. Review status: criteria provided, conflicting classifications (1 of 4 stars). 5 submissions from 5 submitters: Uncertain significance (4); Likely benign (1). Last evaluated 2025-11-03.

Conditions:
Neuroblastoma, susceptibility to, 3. Also called: ALK-Related Neuroblastic Tumor Susceptibility. Identifiers: Orphanet 635, MedGen C2751681, MONDO:0013083, OMIM 613014.
Hereditary cancer-predisposing syndrome. Also called: Tumor predisposition; Hereditary Cancer Syndrome; Neoplastic Syndromes, Hereditary; Hereditary neoplastic syndrome. Identifiers: Orphanet 140162, MedGen C0027672, MeSH D009386, MONDO:0015356.

Allele frequency attached by ClinVar (database versions not stated): gnomAD exomes below 0.00001; gnomAD 0.00001.
gnomAD v4.1: 5 of 1,613,814 alleles (0.00031%); highest among the groups gnomAD compares: Non-Finnish European, 0.00042%; no homozygotes.

Submissions (5):

Labcorp Genetics (formerly Invitae), Labcorp
Classification: Uncertain significance for Neuroblastoma, susceptibility to, 3. Last evaluated: 2025-11-03. Review status: criteria provided, single submitter. Criteria: Invitae Variant Classification Sherloc (09022015). Collection method: clinical testing. Allele origin: germline.
Comment: This sequence change replaces isoleucine, which is neutral and non-polar, with valine, which is neutral and non-polar, at codon 219 of the ALK protein (p.Ile219Val). This variant is present in population databases (no rsID available, gnomAD 0.007%). This variant has not been reported in the literature in individuals affected with ALK-related conditions. ClinVar contains an entry for this variant (Variation ID: 335710). An algorithm developed to predict the effect of missense changes on protein structure and function (PolyPhen-2) suggests that this variant is likely to be tolerated. In summary, the available evidence is currently insufficient to determine the role of this variant in disease. Therefore, it has been classified as a Variant of Uncertain Significance.

Ambry Genetics
Classification: Likely benign for Hereditary cancer-predisposing syndrome. Last evaluated: 2025-01-16. Review status: criteria provided, single submitter. Criteria: Ambry Variant Classification Scheme 2023. Collection method: clinical testing. Allele origin: germline.

Baylor Genetics
Classification: Uncertain significance for Neuroblastoma, susceptibility to, 3. Last evaluated: 2024-02-23. Review status: criteria provided, single submitter. Criteria: ACMG Guidelines, 2015. Collection method: clinical testing. Allele origin: unknown.

GeneDx
Classification: Uncertain significance. Last evaluated: 2023-03-23. Review status: criteria provided, single submitter. Criteria: GeneDx Variant Classification Process June 2021. Collection method: clinical testing. Allele origin: germline. Affected: yes.
Comment: Has not been previously published as pathogenic or benign to our knowledge; Not observed at significant frequency in large population cohorts (gnomAD); In silico analysis supports that this missense variant does not alter protein structure/function

Illumina Laboratory Services, Illumina
Classification: Uncertain significance for Neuroblastoma, susceptibility to, 3. Last evaluated: 2018-01-12. Review status: criteria provided, single submitter. Criteria: ICSL Variant Classification Criteria 13 December 2019. Collection method: clinical testing. Allele origin: germline.